The following is an entry in ClinVar:

ClinVar aggregate classification (germline): Conflicting classifications of pathogenicity. Review status: criteria provided, conflicting classifications (1 of 4 stars). 2 submissions from 2 submitters: Likely pathogenic (1); Uncertain significance (1). Last evaluated 2025-11-24.

Conditions:
Mitochondrial disease. Also called: Mitochondrial disorder; Mitochondrial disorders. Identifiers: Orphanet 68380, MedGen C0751651, MeSH D028361, MONDO:0044970.
Mitochondrial DNA depletion syndrome, myopathic form (MTDPS2). Also called: MITOCHONDRIAL DNA DEPLETION SYNDROME 2 (MYOPATHIC TYPE); MITOCHONDRIAL DNA DEPLETION MYOPATHY, TK2-RELATED; TK2-Related Mitochondrial DNA Maintenance Defect, Myopathic Form. Identifiers: Orphanet 254875, MedGen C3149750, MONDO:0012301, OMIM 609560.

Submissions (2):

Genomenon, Inc
Classification: Uncertain significance for Mitochondrial disease. Last evaluated: 2025-11-24. Review status: criteria provided, single submitter. Criteria: Genomenon Sequence Variant Interpretation Standards - Updated. Collection method: curation. Allele origin: germline. Affected: yes.
Comment: TK2 p.Gly57Ser (c.169G>A) is a missense variant that changes the amino acid at residue 57 from Glycine to Serine. This variant has been observed in a proband affected with mitochondrial disease in the compound heterozygous state (33486010). This variant is not present at a significant frequency in gnomAD and in silico models agree that this variant is possibly or probably damaging. In conclusion, we classify TK2 p.Gly57Ser (c.169G>A) as a variant of uncertain significance.

Laboratory of Inherited Metabolic Diseases, Research centre for medical genetics
Classification: Likely pathogenic for Mitochondrial DNA depletion syndrome, myopathic form. Last evaluated: 2019-07-17. Review status: criteria provided, single submitter. Criteria: ACMG Guidelines, 2015. Collection method: clinical testing. Allele origin: germline. Inheritance: Autosomal recessive inheritance. Affected: yes.
Comment: found in compound with c.323C>T (p.T108M)

Literature cited by the submitters: PubMed 33486010 (cited by Genomenon, Inc).

NM_004614.5(TK2):c.169G>A (p.Gly57Ser)

Gene: TK2 (thymidine kinase 2; minus strand). Cytogenetic location: 16q21.
Variant type: single nucleotide variant.
Coding change: c.169G>A on transcript NM_004614.5 (MANE Select); coding-DNA position 169, G replaced by A.
Protein change: p.Gly57Ser; replaces glycine 57 with serine.
Molecular consequence: missense variant. On other transcripts: 5 prime UTR variant (1), non-coding transcript variant (1), intron variant (1).
Genome position (GRCh38, 1-based): chr16:66,541,941, C>T on the plus strand (G>A on the coding strand, the complement: TK2 is on the minus strand). VCF-style: chr16-66541941-C-T. GRCh37 (hg19) VCF-style: chr16-66575844-C-T.
Other names: c.76G>A, p.Gly26Ser (NM_001172643.1, NM_001271935.1); c.169G>A, p.Gly57Ser (NM_001172645.2); c.22G>A, p.Gly8Ser (NM_001271934.2); c.-123G>A (NM_001272050.2); c.157-4924G>A (NM_001172644.2); short protein forms G26S, G57S, G8S.
Identifiers: ClinVar variation 694443 (VCV000694443.3), dbSNP rs749123392, ClinGen allele CA396192647.